The following is an entry in ClinVar:

NM_000127.3(EXT1):c.2107_2108del (p.Ser703fs)

Gene: EXT1 (exostosin glycosyltransferase 1; minus strand). Cytogenetic location: 8q24.11.
Variant type: Microsatellite.
Coding change: c.2107_2108del on transcript NM_000127.3 (MANE Select); coding-DNA positions 2107 to 2108, 2 bases deleted (AG; older notation c.2107_2108delAG).
Protein change: p.Ser703fs; shifts the reading frame from serine 703.
Molecular consequence: frameshift variant.
Genome position (GRCh38, 1-based): chr8:117,799,845-117,799,846, CT deleted on the plus strand (AG on the coding strand, the reverse complement: EXT1 is on the minus strand); deleting any 2 consecutive bases within chr8:117,799,845-117,799,848 gives the same sequence; the c. name uses the placement nearest the transcript's 3' end. VCF-style (leftmost placement, unchanged base first): chr8-117799844-GCT-G. GRCh37 (hg19) VCF-style: chr8-118812083-GCT-G.
Other names: short protein forms S703fs.
Identifiers: ClinVar variation 4729750 (VCV004729750.1).

ClinVar aggregate classification (germline): Pathogenic (1 of 4 stars; one submission).

Conditions:
Multiple congenital exostosis (EXT). Also called: Hereditary multiple osteochondromas; MULTIPLE CARTILAGINOUS EXOSTOSES; Hereditary multiple exostoses; Hereditary multiple exostosis; Multiple osteochondromas; Multiple exostoses. Identifiers: Orphanet 321, MedGen C0015306, MONDO:0005508, HP:0002762.

Submission:

Labcorp Genetics (formerly Invitae), Labcorp
Classification: Pathogenic for Multiple congenital exostosis. Last evaluated: 2025-10-29. Review status: criteria provided, single submitter. Criteria: Invitae Variant Classification Sherloc (09022015). Collection method: clinical testing. Allele origin: germline.
Comment: This sequence change creates a premature translational stop signal (p.Ser703Leufs*27) in the EXT1 gene. While this is not anticipated to result in nonsense mediated decay, it is expected to disrupt the last 44 amino acid(s) of the EXT1 protein. This variant is not present in population databases (gnomAD no frequency). This variant has not been reported in the literature in individuals affected with EXT1-related conditions. This variant disrupts a region of the EXT1 protein in which other variant(s) (p.Trp711* ) have been determined to be pathogenic (PMID: 29620724; internal data). This suggests that this is a clinically significant region of the protein, and that variants that disrupt it are likely to be disease-causing. For these reasons, this variant has been classified as Pathogenic.

Literature cited by the submitters: PubMed 29620724.